The following is an entry in ClinVar:

NM_001009944.3(PKD1):c.2085dup (p.Ala696fs)

Gene: PKD1 (polycystin 1, transient receptor potential channel interacting; minus strand). Cytogenetic location: 16p13.3.
Variant type: Duplication.
Coding change: c.2085dup on transcript NM_001009944.3 (MANE Select); coding-DNA position 2085, one base duplicated (C; older notation c.2085dupC).
Protein change: p.Ala696fs; shifts the reading frame from alanine 696.
Molecular consequence: frameshift variant.
Genome position (GRCh38, 1-based): chr16:2,115,390, G duplicated on the plus strand (C on the coding strand, the reverse complement: PKD1 is on the minus strand); the first of 6 consecutive G bases (chr16:2,115,390-2,115,395); duplicating any one gives the same sequence. VCF-style (leftmost placement, unchanged base first): chr16-2115389-C-CG. GRCh37 (hg19) VCF-style: chr16-2165390-C-CG.
Other names: c.2085dup (NM_000296.3); c.2085dupC (NM_001009944.3); c.2085dup, p.Ala696fs (NM_000296.4); short protein forms A696fs.
Identifiers: ClinVar variation 562308 (VCV000562308.19), dbSNP rs1567212531, ClinGen allele CA658823807.
Genomic context (GRCh38, chr16:2,115,389, plus strand): 5'-AGGTGGCCTGAGGAGATGCAGGGAACAGACCCAGGTCAGGGCCACACACCGAGTACTGCG[C>CG]GGGGGGCCCCGCGGGAACGGAGAAGAGGAACTCTCTCCATAGCGCATAGGGGGCCCCGGG-3'

ClinVar aggregate classification (germline): Pathogenic. Review status: criteria provided, multiple submitters, no conflicts (2 of 4 stars). 12 submissions from 12 submitters: Pathogenic (11). 1 of the submissions does not count toward it. Last evaluated 2026-06-25.

Conditions:
Autosomal dominant polycystic kidney disease. Identifiers: Orphanet 730, MedGen C0085413, MONDO:0004691.
Polycystic kidney disease, adult type (PKD1). Also called: Polycystic Kidney, Autosomal Dominant; Polycystic Kidney Disease 1, Autosomal Dominant; Polycystic kidney disease 1; Polycystic kidney disease 1, severe; POLYCYSTIC KIDNEY DISEASE, ADULT, TYPE I; POLYCYSTIC KIDNEY DISEASE 1 WITH OR WITHOUT POLYCYSTIC LIVER DISEASE. Identifiers: MedGen C3149841, MONDO:0008263, OMIM 173900.
PKD1-related disorder. Also called: PKD1-related condition.

Submissions (12):

Clinical Genetics Laboratory, Skane University Hospital Lund
Classification: Pathogenic for Autosomal dominant polycystic kidney disease. Last evaluated: 2026-06-25. Review status: criteria provided, single submitter. Criteria: ACMG Guidelines, 2015. Collection method: clinical testing. Allele origin: germline. Affected: yes.
Comment: ACMG criteria used: PVS1, PS4_moderate, PM2

GeneDx
Classification: Pathogenic. Last evaluated: 2025-10-30. Review status: criteria provided, single submitter. Criteria: GeneDx Variant Classification Process June 2021. Collection method: clinical testing. Allele origin: germline.
Comment: Frameshift variant predicted to result in protein truncation or nonsense mediated decay in a gene for which loss of function is a known mechanism of disease; Not observed at significant frequency in large population cohorts (gnomAD); This variant is associated with the following publications: (PMID: 34733539, 31740684, 30586318, 11115377, 37078890, 39291187, 36177613, 36938073, 38527221, 39888183)

Genomic Medicine Center of Excellence, King Faisal Specialist Hospital and Research Centre
Classification: Pathogenic for Polycystic kidney disease, adult type. Last evaluated: 2025-09-10. Review status: criteria provided, single submitter. Criteria: ACMG Guidelines, 2015. Collection method: clinical testing. Allele origin: germline.

Dasa
Classification: Pathogenic for Polycystic kidney disease, adult type. Last evaluated: 2025-06-07. Review status: criteria provided, single submitter. Criteria: DASA Assertion Criteria. Collection method: clinical testing. Allele origin: germline.
Comment: NM_001009944.3(PKD1):c.2085dup (p.Ala696Argfs*18) is a frameshift variant in PKD1 predicted to alter the reading frame and introduce a premature termination codon and is predicted to result in an absent or altered protein product. Loss of function is an established disease mechanism for PKD1 (PMID: 25491204; PMID: 24694054; PMID: 29529603). This variant has been recurrently observed in individuals with Polycystic kidney disease, adult type (PMID: 26274329; PMID: 30927425; PMID: 31740684). Also, this variant is absent from population databases. Based on the currently available evidence, this variant is classified as pathogenic.

Women's Health and Genetics/Laboratory Corporation of America, LabCorp
Classification: Pathogenic for Polycystic kidney disease, adult type. Last evaluated: 2025-03-17. Review status: criteria provided, single submitter. Criteria: LabCorp Variant Classification Summary - May 2015. Collection method: clinical testing. Allele origin: germline.
Comment: Variant summary: PKD1 c.2085dupC (p.Ala696ArgfsX18) results in a premature termination codon, predicted to cause a truncation of the encoded protein or absence of the protein due to nonsense mediated decay, which are commonly known mechanisms for disease. The variant was absent in 139288 control chromosomes. c.2085dupC has been reported in the literature in at-least one heterozygous individual affected with Polycystic kidney disease with a family history for the disease (example: Topak_2024). The following publication has been ascertained in the context of this evaluation (PMID: 37078890). ClinVar contains an entry for this variant (Variation ID: 562308). Based on the evidence outlined above, the variant was classified as pathogenic.

Laboratory of Genetics, Children's Clinical University Hospital Latvia
Classification: Pathogenic. Last evaluated: 2025-02-16. Review status: criteria provided, single submitter. Criteria: ACMG Guidelines, 2015. Collection method: clinical testing. Allele origin: germline. Affected: yes.

Fulgent Genetics
Classification: Pathogenic for Polycystic kidney disease, adult type. Last evaluated: 2024-02-07. Review status: criteria provided, single submitter. Criteria: ACMG Guidelines, 2015. Collection method: clinical testing. Allele origin: germline.

Blueprint Genetics
Classification: Pathogenic for PKD1-related disorders. Last evaluated: 2022-09-12. Review status: criteria provided, single submitter. Criteria: ACMG Guidelines, 2015. Collection method: clinical testing. Allele origin: germline. Affected: yes. Observed: 5 variant alleles.

Athena Diagnostics
Classification: Pathogenic. Last evaluated: 2022-04-05. Review status: criteria provided, single submitter. Criteria: Athena Diagnostics Criteria. Collection method: clinical testing. Allele origin: unknown.
Comment: This variant is expected to result in the loss of a functional protein. This variant has been identified in at least one individual with clinical features associated with this gene. This variant has not been reported in large, multi-ethnic general populations.

Victorian Clinical Genetics Services, Murdoch Childrens Research Institute
Classification: Pathogenic for Polycystic kidney disease, adult type. Last evaluated: 2022-02-02. Review status: criteria provided, single submitter. Criteria: ACMG Guidelines, 2015. Collection method: clinical testing. Allele origin: germline. Inheritance: Autosomal dominant inheritance.
Comment: Based on the classification scheme VCGS_Germline_v1.3.4, this variant is classified as Pathogenic. Following criteria are met: 0102 - Loss of function is a known mechanism of disease in this gene and is associated with polycystic kidney disease 1 (MIM#173900). (I) 0107 - This gene is associated with autosomal dominant disease. Polycystic kidney disease 1 (MIM#173900) is predominantly caused by monoallelic variants, with rare reports of biallelic variants causing disease (OMIM). (I) 0201 - Variant is predicted to cause nonsense-mediated decay (NMD) and loss of protein (premature termination codon is located at least 54 nucleotides upstream of the final exon-exon junction). (SP) 0251 - This variant is heterozygous. (I) 0301 - Variant is absent from gnomAD (both v2 and v3). (SP) 0701 - Other NMD-predicted variants comparable to the one identified in this case have very strong previous evidence for pathogenicity (ClinVar). (SP) 0801 - This variant has strong previous evidence of pathogenicity in unrelated individuals. It has been reported at least ten families with autosomal dominant polycystic kidney disease (ClinVar, PKD database mayo clinic, PMID: 31740684). (SP) 1208 - Inheritance information for this variant is not currently available in this individual. (I) Legend: (SP) - Supporting pathogenic, (I) - Information, (SB) - Supporting benign

Juno Genomics, Hangzhou Juno Genomics, Inc
Classification: Pathogenic for Polycystic kidney disease, adult type. Review status: criteria provided, single submitter. Criteria: ACMG Guidelines, 2015. Collection method: clinical testing. Allele origin: germline. Affected: yes.
Comment: Absent from controls (or at extremely low frequency if recessive) in Genome Aggregation Database, Exome Sequencing Project, 1000 Genomes Project, or Exome Aggregation Consortium.;Null variant in a gene where loss of function (LOF) is a known mechanism of disease.;The prevalence of the variant in affected individuals is significantly increased compared to the prevalence in controls.;Patient's phenotype or family history is highly specific for a disease with a single genetic etiology.

Gharavi Laboratory, Columbia University
Classification: Pathogenic. Last evaluated: 2018-09-16. Review status: no assertion criteria provided. Criteria: ACMG Guidelines, 2015. Collection method: research. Allele origin: germline. Affected: yes. Not counted in ClinVar's aggregate classification.

Literature cited by the submitters: PubMed 26274329 (cited by Dasa and Athena Diagnostics); PubMed 30927425 (cited by Dasa and Athena Diagnostics); PubMed 31740684 (cited by 3 submitters); PubMed 37078890 (cited by Dasa and Women's Health and Genetics/Laboratory Corporation of America, LabCorp); PubMed 25491204 (cited by Dasa); PubMed 24694054 (cited by Dasa); PubMed 29529603 (cited by Dasa); PubMed 11115377 (cited by Athena Diagnostics).